The following is an entry in ClinVar:

NM_001197104.2(KMT2A):c.1272C>T (p.Thr424=)

Gene: KMT2A (lysine methyltransferase 2A; plus strand). Cytogenetic location: 11q23.3.
Variant type: single nucleotide variant.
Coding change: c.1272C>T on transcript NM_001197104.2 (MANE Select); coding-DNA position 1272, C replaced by T.
Protein change: p.Thr424=; no amino-acid change (threonine 424 retained).
Molecular consequence: synonymous variant.
Genome position (GRCh38, 1-based): chr11:118,472,431, C>T. VCF-style: chr11-118472431-C-T. GRCh37 (hg19) VCF-style: chr11-118343146-C-T.
Other names: c.1272C>T, p.Thr424= (NM_005933.4); c.1272C>T (NM_001197104.1).
Identifiers: ClinVar variation 1558708 (VCV001558708.11), dbSNP rs1216973988, ClinGen allele CA477357260.

ClinVar aggregate classification (germline): Likely benign. Review status: criteria provided, multiple submitters, no conflicts (2 of 4 stars). 3 submissions from 3 submitters: Likely benign (2). 1 of the submissions does not count toward it. Last evaluated 2026-01-05.

Conditions:
KMT2A-related disorder. Also called: KMT2A-related condition.

Allele frequency attached by ClinVar (database versions not stated): gnomAD 0.00001; gnomAD exomes 0.00001 and 0.00002; TOPMed 0.00003.
gnomAD v4.1: 24 of 1,613,854 alleles (0.0015%); highest among the groups gnomAD compares: South Asian, 0.0088%; no homozygotes.

Submissions (3):

Labcorp Genetics (formerly Invitae), Labcorp
Classification: Likely benign. Last evaluated: 2026-01-05. Review status: criteria provided, single submitter. Criteria: Invitae Variant Classification Sherloc (09022015). Collection method: clinical testing. Allele origin: germline.

Blueprint Genetics
Classification: Likely benign. Last evaluated: 2022-06-22. Review status: criteria provided, single submitter. Criteria: ACMG Guidelines, 2015. Collection method: clinical testing. Allele origin: germline.

PreventionGenetics, part of Exact Sciences
Classification: Likely benign for KMT2A-related condition. Last evaluated: 2020-11-04. Review status: no assertion criteria provided. Collection method: clinical testing. Allele origin: germline. Not counted in ClinVar's aggregate classification.
Comment: This variant is classified as likely benign based on ACMG/AMP sequence variant interpretation guidelines (Richards et al. 2015 PMID: 25741868, with internal and published modifications).